The following is an entry in ClinVar:

ClinVar aggregate classification (germline): Uncertain significance (1 of 4 stars; one submission).

Submission:

GeneDx
Classification: Uncertain significance. Last evaluated: 2013-06-12. Review status: criteria provided, single submitter. Criteria: GeneDx Variant Classification (06012015). Collection method: clinical testing. Allele origin: germline. Affected: yes.
Comment: p.His214Tyr (CAC>TAC): c.640 C>T in exon 4 of the JUP gene (NM_002230.2)The His214Tyr variant in the JUP gene has not been reported as a disease-causing mutation or as a benign polymorphism to our knowledge. His214Tyr results in a non-conservative amino acid substitution of a positively charged Histidine residue with a neutral, polar Tyrosine residue at a position that is conserved across species. In silico analysis predicts His214Tyr is probably damaging to the protein structure/function. The His214Tyr variant was not observed in approximately 6,500 individuals of European and African American ancestry in the NHLBI Exome Sequencing Project, indicating it is not a common benign variant in these populations. Nevertheless, no mutation in nearby residues have been reported in association with ARVC, indicating this region of the protein may be tolerant of change. The variant is found in ARVC panel(s).

NM_002230.4(JUP):c.640C>T (p.His214Tyr)

Gene: JUP (junction plakoglobin; minus strand). Cytogenetic location: 17q21.2.
Variant type: single nucleotide variant.
Coding change: c.640C>T on transcript NM_002230.4 (MANE Select); coding-DNA position 640, C replaced by T.
Protein change: p.His214Tyr; replaces histidine 214 with tyrosine.
Molecular consequence: missense variant.
Genome position (GRCh38, 1-based): chr17:41,769,036, G>A on the plus strand (C>T on the coding strand, the complement: JUP is on the minus strand). VCF-style: chr17-41769036-G-A. GRCh37 (hg19) VCF-style: chr17-39925288-G-A.
Other names: p.H214Y:CAC>TAC; c.640C>T, p.His214Tyr (NM_001352773.2, NM_001352774.2, NM_001352775.2 and 3 more transcripts); short protein forms H214Y.
Identifiers: ClinVar variation 201815 (VCV000201815.2), dbSNP rs794729037, ClinGen allele CA308481.